The following is an entry in ClinVar:

ClinVar aggregate classification (germline): Conflicting classifications of pathogenicity. Review status: criteria provided, conflicting classifications (1 of 4 stars). 8 submissions from 8 submitters: Uncertain significance (1); Benign (1); Likely benign (5). 1 of the submissions does not count toward it. Last evaluated 2025-12-26.

Conditions:
Breast-ovarian cancer, familial, susceptibility to, 4. Identifiers: Orphanet 145, MedGen C3280345, MONDO:0013669, OMIM 614291.
Hereditary cancer-predisposing syndrome. Also called: Neoplastic Syndromes, Hereditary; Tumor predisposition; Hereditary Cancer Syndrome; Hereditary neoplastic syndrome. Identifiers: Orphanet 140162, MedGen C0027672, MeSH D009386, MONDO:0015356.
Malignant tumor of breast. Also called: Malignant breast neoplasm; Cancer breast. Identifiers: MedGen C0006142, MONDO:0007254. Disease mechanism: loss of function.

Allele frequency attached by ClinVar (database versions not stated): TOPMed 0.00002; gnomAD exomes below 0.00001; gnomAD 0.00002.

Submissions (8):

Labcorp Genetics (formerly Invitae), Labcorp
Classification: Likely benign for Breast-ovarian cancer, familial, susceptibility to, 4. Last evaluated: 2025-12-26. Review status: criteria provided, single submitter. Criteria: Invitae Variant Classification Sherloc (09022015). Collection method: clinical testing. Allele origin: germline.

Myriad Genetics, Inc.
Classification: Benign for Breast-ovarian cancer, familial, susceptibility to, 4. Last evaluated: 2025-02-20. Review status: criteria provided, single submitter. Criteria: Myriad Autosomal Dominant, Autosomal Recessive and X-Linked Classification Criteria (2023). Collection method: clinical testing. Allele origin: unknown.
Comment: This variant is considered benign. This variant is a silent/synonymous amino acid change and it is not expected to impact splicing.

Sema4
Classification: Likely benign for Hereditary cancer-predisposing syndrome. Last evaluated: 2021-11-02. Review status: criteria provided, single submitter. Criteria: Sema4 Curation Guidelines. Collection method: curation. Allele origin: germline.

Quest Diagnostics Nichols Institute San Juan Capistrano
Classification: Uncertain significance. Last evaluated: 2021-08-27. Review status: criteria provided, single submitter. Criteria: Quest Diagnostics criteria. Collection method: clinical testing. Allele origin: unknown.

GeneDx
Classification: Likely benign. Last evaluated: 2021-02-09. Review status: criteria provided, single submitter. Criteria: GeneDx Variant Classification Process June 2021. Collection method: clinical testing. Allele origin: germline. Affected: yes.

Color Diagnostics, LLC DBA Color Health
Classification: Likely benign for Hereditary cancer-predisposing syndrome. Last evaluated: 2018-01-26. Review status: criteria provided, single submitter. Criteria: ACMG Guidelines, 2015. Collection method: clinical testing. Allele origin: germline.

Ambry Genetics
Classification: Likely benign for Hereditary cancer-predisposing syndrome. Last evaluated: 2014-09-24. Review status: criteria provided, single submitter. Criteria: Ambry Variant Classification Scheme 2023. Collection method: clinical testing. Allele origin: germline.

Department of Pathology and Laboratory Medicine, Sinai Health System
Classification: Likely benign for Malignant tumor of breast. Review status: no assertion criteria provided. Collection method: clinical testing. Allele origin: unknown. Affected: yes. Study: The Canadian Open Genetics Repository (COGR). Not counted in ClinVar's aggregate classification.
Comment: The RAD51D p.Leu57= variant was not identified in the literature nor was it identified in the dbSNP and Cosmic databases. The variant was identified in ClinVar (as likely benign by Ambry Genetics and GeneDx), and Clinvitae (2x) databases. The variant was not identified in the 1000 Genomes Project, the NHLBI GO Exome Sequencing Project or the Exome Aggregation Consortium (August 8th 2016) control databases. The p.Leu57= variant is not expected to have clinical significance because it does not result in a change of amino acid and is not located in a known consensus splice site. In addition, in silico or computational prediction software programs (SpliceSiteFinder, MaxEntScan, NNSPLICE, GeneSplicer, HumanSpliceFinder) do not predict a difference in splicing. In summary, based on the above information the clinical significance of this variant cannot be determined with certainty at this time although we would lean towards a more benign role for this variant. This variant is classified as likely benign.

Literature cited by the submitters: PubMed 34200360 (cited by Sema4 and Quest Diagnostics Nichols Institute San Juan Capistrano).

NM_002878.4(RAD51D):c.171G>A (p.Leu57=)

Genes: RAD51D (RAD51 paralog D; minus strand), RAD51L3-RFFL (RAD51L3-RFFL readthrough; minus strand). Cytogenetic location: 17q12.
Variant type: single nucleotide variant.
Coding change: c.171G>A on transcript NM_002878.4 (MANE Select); coding-DNA position 171, G replaced by A.
Protein change: p.Leu57=; no amino-acid change (leucine 57 retained).
Molecular consequence: synonymous variant. On other transcripts: intron variant (2).
Genome position (GRCh38, 1-based): chr17:35,118,593, C>T on the plus strand (G>A on the coding strand, the complement: RAD51D is on the minus strand). VCF-style: chr17-35118593-C-T. GRCh37 (hg19) VCF-style: chr17-33445612-C-T.
Other names: c.144+518G>A (NM_133629.3, NM_001142571.2).
Identifiers: ClinVar variation 186357 (VCV000186357.23), dbSNP rs786202885, ClinGen allele CA194577.
Genomic context (GRCh38, chr17:35,118,593, plus strand): 5'-GGTCTTCAGTTCCTCGTAGAGATCAGCGCCATTCACGGGGAAAGCCGAGAACTGAGCCAG[C>T]AGCACCCGCCTCAGGGCAACCAGGGCCTGCCAAAGGGCCCCAGACTGCTCAGCAACAAAT-3'
Protein context (NP_002869.3, residues 47-67): YKALVALRRV[Leu57=]LAQFSAFPVN